The following is an entry in ClinVar:

NM_001101.5(ACTB):c.655G>A (p.Val219Ile)

Gene: ACTB (actin beta; minus strand). Cytogenetic location: 7p22.1.
Variant type: single nucleotide variant.
Coding change: c.655G>A on transcript NM_001101.5 (MANE Select); coding-DNA position 655, G replaced by A.
Protein change: p.Val219Ile; replaces valine 219 with isoleucine.
Molecular consequence: missense variant.
Genome position (GRCh38, 1-based): chr7:5,528,428, C>T on the plus strand (G>A on the coding strand, the complement: ACTB is on the minus strand). VCF-style: chr7-5528428-C-T. GRCh37 (hg19) VCF-style: chr7-5568059-C-T.
Other names: short protein forms V219I.
Identifiers: ClinVar variation 3376709 (VCV003376709.1).
Genomic context (GRCh38, chr7:5,528,428, plus strand): 5'-TCTTCTCCAGGGAGGAGCTGGAAGCAGCCGTGGCCATCTCTTGCTCGAAGTCCAGGGCGA[C>T]GTAGCACAGCTTCTCCTTAATGTCACGCACGATTTCCCGCTCGGCCGTGGTGGTGAAGCT-3'
Protein context (NP_001092.1, residues 209-229): VRDIKEKLCY[Val219Ile]ALDFEQEMAT

ClinVar aggregate classification (germline): Likely pathogenic (1 of 4 stars; one submission).

Conditions:
Neurodevelopmental disorder. Identifiers: MedGen C1535926, MeSH D065886, MONDO:0700092.

gnomAD v4.1: 1 of 1,614,124 alleles (0.000062%); no homozygotes.

Submission:

Victorian Clinical Genetics Services, Murdoch Childrens Research Institute
Classification: Likely pathogenic for Neurodevelopmental disorder. Last evaluated: 2023-07-16. Review status: criteria provided, single submitter. Criteria: ACMG Guidelines, 2015. Collection method: clinical testing. Allele origin: germline. Inheritance: Autosomal dominant inheritance. Affected: yes.
Comment: Based on the classification scheme VCGS_Germline_v1.3.4, this variant is classified as Likely Pathogenic. Following criteria are met: 0102 - Loss of function is a known mechanism of disease in this gene and is associated with ACTB-related neurodevelopmental disorder. However, gain of function, dominant negative and loss of function are suggested mechanisms for variants associated with Baraitser-Winter syndrome (MIM#243310; PMID: 29220674). The mechanism of juvenile-onset dystonia (MIM#607371) is unclear. (I) 0107 - This gene is associated with autosomal dominant disease. (I) 0115 - Variants in this gene are known to have variable expressivity. High clinical variability has been observed between individuals with Baraitser-Winter syndrome who harbour the same variant (PMID: 26583190, PMID: 30315159). (I) 0200 - Variant is predicted to result in a missense amino acid change from valine to isoleucine. (I) 0251 - This variant is heterozygous. (I) 0301 - Variant is absent from gnomAD (both v2 and v3). (SP) 0502 - Missense variant with conflicting in silico predictions and uninformative conservation. (I) 0603 - Missense variant in a region that is highly intolerant to missense variation (high constraint region in DECIPHER). (SP) 0705 - No comparable missense variants have previous evidence for pathogenicity. (I) 0807 - This variant has no previous evidence of pathogenicity. (I) 0905 - No published segregation evidence has been identified for this variant. (I) 1007 - No published functional evidence has been identified for this variant. (SP) Legend: (SP) - Supporting pathogenic, (I) - Information, (SB) - Supporting benign

Literature cited by the submitters: PubMed 26583190; PubMed 29220674; PubMed 30315159.